The following is an entry in ClinVar:

ClinVar aggregate classification (germline): Uncertain significance (1 of 4 stars; one submission).

Allele frequency attached by ClinVar (database versions not stated): TOPMed below 0.00001; ExAC 0.00001; gnomAD 0.00001; gnomAD exomes 0.00001.
gnomAD v4.1: 20 of 1,613,898 alleles (0.0012%); highest among the groups gnomAD compares: South Asian, 0.0022%; no homozygotes.

Submission:

Labcorp Genetics (formerly Invitae), Labcorp
Classification: Uncertain significance. Last evaluated: 2024-01-02. Review status: criteria provided, single submitter. Criteria: Invitae Variant Classification Sherloc (09022015). Collection method: clinical testing. Allele origin: germline.
Comment: This sequence change replaces valine, which is neutral and non-polar, with isoleucine, which is neutral and non-polar, at codon 280 of the COL18A1 protein (p.Val280Ile). This variant is present in population databases (rs775334835, gnomAD 0.006%). This variant has not been reported in the literature in individuals affected with COL18A1-related conditions. ClinVar contains an entry for this variant (Variation ID: 2098831). Experimental studies and prediction algorithms are not available or were not evaluated, and the functional significance of this variant is currently unknown. In summary, the available evidence is currently insufficient to determine the role of this variant in disease. Therefore, it has been classified as a Variant of Uncertain Significance.

NM_001379500.1(COL18A1):c.838G>A (p.Val280Ile)

Gene: COL18A1 (collagen type XVIII alpha 1 chain; plus strand). Cytogenetic location: 21q22.3.
Variant type: single nucleotide variant.
Coding change: c.838G>A on transcript NM_001379500.1 (MANE Select); coding-DNA position 838, G replaced by A.
Protein change: p.Val280Ile; replaces valine 280 with isoleucine.
Molecular consequence: missense variant.
Genome position (GRCh38, 1-based): chr21:45,476,390, G>A. VCF-style: chr21-45476390-G-A. GRCh37 (hg19) VCF-style: chr21-46896304-G-A.
Other names: c.1378G>A, p.Val460Ile (NM_030582.4); c.2083G>A, p.Val695Ile (NM_130444.3); short protein forms V695I, V280I, V460I.
Identifiers: ClinVar variation 2098831 (VCV002098831.4), dbSNP rs775334835, ClinGen allele CA10065959.
Genomic context (GRCh38, chr21:45,476,390, plus strand): 5'-ACCTCCCCTCTCGTCCTCCAGGGCGCGGCCCTAAAACCCAGGCTCCCCGCGCCACCCCCC[G>A]TCACCACGCCACCCTTGGCTGGAGGCAGCAGCACGGAAGATTCCAGAAGTGAAGAAGTCG-3'
Protein context (NP_001366429.1, residues 270-290): LKPRLPAPPP[Val280Ile]TTPPLAGGSS